The following is an entry in ClinVar:

NM_152383.5(DIS3L2):c.1787dup (p.Ile597fs)

Gene: DIS3L2 (DIS3 like 3'-5' exoribonuclease 2; plus strand). Cytogenetic location: 2q37.1.
Variant type: Duplication.
Coding change: c.1787dup on transcript NM_152383.5 (MANE Select); coding-DNA position 1787, one base duplicated (A; older notation c.1787dupA).
Protein change: p.Ile597fs; shifts the reading frame from isoleucine 597.
Molecular consequence: frameshift variant. On other transcripts: intron variant (1).
Genome position (GRCh38, 1-based): chr2:232,329,860, A duplicated; the last of 2 consecutive A bases (chr2:232,329,859-232,329,860); duplicating either gives the same sequence. VCF-style (leftmost placement, unchanged base first): chr2-232329858-C-CA. GRCh37 (hg19) VCF-style: chr2-233194568-C-CA.
Other names: c.1582-13485dup (NM_001257281.2); short protein forms I597fs.
Identifiers: ClinVar variation 950615 (VCV000950615.7), dbSNP rs1695682618, ClinGen allele CA1043440526.

ClinVar aggregate classification (germline): Pathogenic (1 of 4 stars; one submission).

Conditions:
Perlman syndrome (PRLMNS). Identifiers: Orphanet 2849, MedGen C0796113, MONDO:0009965, OMIM 267000.

Submission:

Labcorp Genetics (formerly Invitae), Labcorp
Classification: Pathogenic for Perlman syndrome. Last evaluated: 2020-07-31. Review status: criteria provided, single submitter. Criteria: Invitae Variant Classification Sherloc (09022015). Collection method: clinical testing. Allele origin: germline.
Comment: For these reasons, this variant has been classified as Pathogenic. Loss-of-function variants in DIS3L2 are known to be pathogenic (PMID: 22306653). This variant has not been reported in the literature in individuals with DIS3L2-related conditions. This variant is not present in population databases (ExAC no frequency). This sequence change creates a premature translational stop signal (p.Ile597Aspfs*24) in the DIS3L2 gene. It is expected to result in an absent or disrupted protein product.

Literature cited by the submitters: PubMed 22306653.